The following is an entry in ClinVar:

NM_000214.3(JAG1):c.935G>A (p.Cys312Tyr)

Gene: JAG1 (jagged canonical Notch ligand 1; minus strand). Cytogenetic location: 20p12.2.
Variant type: single nucleotide variant.
Coding change: c.935G>A on transcript NM_000214.3 (MANE Select); coding-DNA position 935, G replaced by A.
Protein change: p.Cys312Tyr; replaces cysteine 312 with tyrosine.
Molecular consequence: missense variant.
Genome position (GRCh38, 1-based): chr20:10,652,202, C>T on the plus strand (G>A on the coding strand, the complement: JAG1 is on the minus strand). VCF-style: chr20-10652202-C-T. GRCh37 (hg19) VCF-style: chr20-10632850-C-T.
Other names: short protein forms C312Y.
Identifiers: ClinVar variation 3573192 (VCV003573192.2).

Conditions:
Arteriohepatic dysplasia. Also called: Alagille Syndrome. Identifiers: Orphanet 52, MedGen C0085280, MeSH D016738, MONDO:0007318.

Submission:

Gilbert/Spinner Lab, Children's Hospital of Philadelphia
No classification provided (evidence only). Condition: Alagille syndrome. Review status: no classification provided. Collection method: research. Allele origin: not applicable. Functional consequence: functionally_abnormal.
ClinVar note: "not provided" was previously submitted as the classification for the variant. However, the classification appeared to be based only on an observation of functional data so it was converted to no classification on 2025-07-30.